The following is an entry in ClinVar:

ClinVar aggregate classification (germline): Conflicting classifications of pathogenicity. Review status: criteria provided, conflicting classifications (1 of 4 stars). 5 submissions from 5 submitters: Uncertain significance (2); Likely benign (2). 1 of the submissions does not count toward it. Last evaluated 2025-12-30.

Conditions:
Bilateral frontoparietal polymicrogyria. Also called: CORTICAL DYSPLASIA, COMPLEX, WITH OTHER BRAIN MALFORMATIONS 14A (BILATERAL FRONTOPARIETAL); CEREBELLAR ATAXIA WITH NEURONAL MIGRATION DEFECT. Identifiers: Orphanet 101070, MedGen C1847352, MONDO:0011738, OMIM 606854.

Allele frequency attached by ClinVar (database versions not stated): TOPMed 0.00007; ESP Exome Variant Server 0.00008; gnomAD 0.00013 and 0.00014; gnomAD exomes 0.00014 and 0.00021; 1000 Genomes Project 30x 0.00016; 1000 Genomes Project 0.00020; ExAC 0.00031.
gnomAD v4.1: 233 of 1,613,992 alleles (0.014%); highest among the groups gnomAD compares: South Asian, 0.057%; 2 homozygotes.

Submissions (5):

Labcorp Genetics (formerly Invitae), Labcorp
Classification: Likely benign. Last evaluated: 2025-12-30. Review status: criteria provided, single submitter. Criteria: Invitae Variant Classification Sherloc (09022015). Collection method: clinical testing. Allele origin: germline.

CeGaT Center for Human Genetics Tuebingen
Classification: Likely benign. Last evaluated: 2025-03-01. Review status: criteria provided, single submitter. Criteria: CeGaT Center For Human Genetics Tuebingen Variant Classification Criteria Version 2. Collection method: clinical testing. Allele origin: germline. Affected: yes. Observed: 3 variant alleles.
Comment: ADGRG1: BP4, BP7

Illumina Laboratory Services, Illumina
Classification: Uncertain significance for Bilateral frontoparietal polymicrogyria. Last evaluated: 2018-01-12. Review status: criteria provided, single submitter. Criteria: ICSL Variant Classification Criteria 13 December 2019. Collection method: clinical testing. Allele origin: germline.

Eurofins Ntd Llc (ga)
Classification: Uncertain significance. Last evaluated: 2016-11-02. Review status: criteria provided, single submitter. Criteria: EGL Classification Definitions 2015. Collection method: clinical testing. Allele origin: germline. Observed: 1 variant allele, 1 heterozygote.

Natera, Inc.
Classification: Likely benign for Bilateral frontoparietal polymicrogyria. Last evaluated: 2021-01-12. Review status: no assertion criteria provided. Collection method: clinical testing. Allele origin: germline. Not counted in ClinVar's aggregate classification.

NM_201525.4(ADGRG1):c.1188C>T (p.Asp396=)

Gene: ADGRG1 (adhesion G protein-coupled receptor G1; plus strand). Cytogenetic location: 16q21.
Variant type: single nucleotide variant.
Coding change: c.1188C>T on transcript NM_201525.4 (MANE Select); coding-DNA position 1188, C replaced by T.
Protein change: p.Asp396=; no amino-acid change (aspartic acid 396 retained).
Molecular consequence: synonymous variant.
Genome position (GRCh38, 1-based): chr16:57,657,393, C>T. VCF-style: chr16-57657393-C-T. GRCh37 (hg19) VCF-style: chr16-57691305-C-T.
Other names: c.1188C>T, p.Asp396= (NM_001145770.3, NM_001145771.3, NM_001145772.3 and 14 more transcripts); c.1203C>T, p.Asp401= (NM_001145773.3, NM_001370433.1); c.678C>T, p.Asp226= (NM_001290142.2); c.663C>T, p.Asp221= (NM_001290143.2, NM_001290144.2, NM_001370451.1 and 2 more transcripts); c.1185C>T, p.Asp395= (NM_001370434.1, NM_001370441.1); c.1032C>T, p.Asp344= (NM_001370442.1).
Identifiers: ClinVar variation 497887 (VCV000497887.37), dbSNP rs368883473, ClinGen allele CA8078682.